The following is an entry in ClinVar:

NM_138386.3(NAF1):c.791G>A (p.Ser264Asn)

Gene: NAF1 (nuclear assembly factor 1 ribonucleoprotein; minus strand). Cytogenetic location: 4q32.2.
Variant type: single nucleotide variant.
Coding change: c.791G>A on transcript NM_138386.3 (MANE Select); coding-DNA position 791, G replaced by A.
Protein change: p.Ser264Asn; replaces serine 264 with asparagine.
Molecular consequence: missense variant.
Genome position (GRCh38, 1-based): chr4:163,140,310, C>T on the plus strand (G>A on the coding strand, the complement: NAF1 is on the minus strand). VCF-style: chr4-163140310-C-T. GRCh37 (hg19) VCF-style: chr4-164061462-C-T.
Other names: c.791G>A, p.Ser264Asn (NM_001128931.2); short protein forms S264N.
Identifiers: ClinVar variation 1337137 (VCV001337137.6), dbSNP rs201716724, ClinGen allele CA3126262.

ClinVar aggregate classification (germline): Uncertain significance. Review status: criteria provided, multiple submitters, no conflicts (2 of 4 stars). 2 submissions from 2 submitters: Uncertain significance (2). Last evaluated 2025-12-23.

Allele frequency attached by ClinVar (database versions not stated): gnomAD 0.00007; 1000 Genomes Project 0.00020; gnomAD exomes 0.00029 and 0.00010; TOPMed 0.00009; ExAC 0.00012; 1000 Genomes Project 30x 0.00031.
gnomAD v4.1: 427 of 1,608,698 alleles (0.027%); highest among the groups gnomAD compares: Non-Finnish European, 0.035%; no homozygotes.

Submissions (2):

Labcorp Genetics (formerly Invitae), Labcorp
Classification: Uncertain significance. Last evaluated: 2025-12-23. Review status: criteria provided, single submitter. Criteria: Invitae Variant Classification Sherloc (09022015). Collection method: clinical testing. Allele origin: germline.
Comment: This sequence change replaces serine, which is neutral and polar, with asparagine, which is neutral and polar, at codon 264 of the NAF1 protein (p.Ser264Asn). This variant is present in population databases (rs201716724, gnomAD 0.02%). This variant has not been reported in the literature in individuals affected with NAF1-related conditions. ClinVar contains an entry for this variant (Variation ID: 1337137). An algorithm developed to predict the effect of missense changes on protein structure and function outputs the following: PolyPhen-2: "Benign". The asparagine amino acid residue is found in multiple mammalian species, which suggests that this missense change does not adversely affect protein function. In summary, the available evidence is currently insufficient to determine the role of this variant in disease. Therefore, it has been classified as a Variant of Uncertain Significance.

Genetic Services Laboratory, University of Chicago
Classification: Uncertain significance. Last evaluated: 2019-09-24. Review status: criteria provided, single submitter. Criteria: ACMG Guidelines, 2015. Collection method: clinical testing. Allele origin: germline. Affected: no.